The following is an entry in ClinVar:

ClinVar aggregate classification (germline): Uncertain significance (1 of 4 stars; one submission).

gnomAD v4.1: 1 of 1,614,162 alleles (0.000062%); highest among the groups gnomAD compares: Admixed American, 0.0017%; no homozygotes.

Submission:

Labcorp Genetics (formerly Invitae), Labcorp
Classification: Uncertain significance. Last evaluated: 2024-06-09. Review status: criteria provided, single submitter. Criteria: Invitae Variant Classification Sherloc (09022015). Collection method: clinical testing. Allele origin: germline.
Comment: This sequence change replaces asparagine, which is neutral and polar, with serine, which is neutral and polar, at codon 586 of the LCT protein (p.Asn586Ser). This variant is present in population databases (rs76067360, gnomAD 0.003%). This variant has not been reported in the literature in individuals affected with LCT-related conditions. Algorithms developed to predict the effect of missense changes on protein structure and function output the following: SIFT: "Not Available"; PolyPhen-2: "Benign"; Align-GVGD: "Not Available". The serine amino acid residue is found in multiple mammalian species, which suggests that this missense change does not adversely affect protein function. In summary, the available evidence is currently insufficient to determine the role of this variant in disease. Therefore, it has been classified as a Variant of Uncertain Significance.

NM_002299.4(LCT):c.1757A>G (p.Asn586Ser)

Gene: LCT (lactase; minus strand). Cytogenetic location: 2q21.3.
Variant type: single nucleotide variant.
Coding change: c.1757A>G on transcript NM_002299.4 (MANE Select); coding-DNA position 1757, A replaced by G.
Protein change: p.Asn586Ser; replaces asparagine 586 with serine.
Molecular consequence: missense variant.
Genome position (GRCh38, 1-based): chr2:135,812,907, T>C on the plus strand (A>G on the coding strand, the complement: LCT is on the minus strand). VCF-style: chr2-135812907-T-C. GRCh37 (hg19) VCF-style: chr2-136570477-T-C.
Other names: short protein forms N586S.
Identifiers: ClinVar variation 3620167 (VCV003620167.2).